The following is an entry in ClinVar:

ClinVar aggregate classification (germline): Uncertain significance (1 of 4 stars; one submission).

Conditions:
Hereditary cancer-predisposing syndrome. Also called: Neoplastic Syndromes, Hereditary; Tumor predisposition; Hereditary neoplastic syndrome; Hereditary Cancer Syndrome. Identifiers: Orphanet 140162, MedGen C0027672, MeSH D009386, MONDO:0015356.

Submission:

Ambry Genetics
Classification: Uncertain significance for Hereditary cancer-predisposing syndrome. Last evaluated: 2020-12-23. Review status: criteria provided, single submitter. Criteria: Ambry Variant Classification Scheme 2023. Collection method: clinical testing. Allele origin: germline.
Comment: The c.1910-220C>G intronic alteration consists of a C to G substitution 220 nucleotides before coding exon 10 in the BRCA2 gene. Based on insufficient or conflicting evidence, the clinical significance of this alteration remains unclear.

NM_000059.4(BRCA2):c.1910-220C>G

Gene: BRCA2 (BRCA2 DNA repair associated; plus strand). Cytogenetic location: 13q13.1.
Variant type: single nucleotide variant.
Coding change: c.1910-220C>G on transcript NM_000059.4 (MANE Select); 220 bases into the intron before coding-DNA position 1910, C replaced by G.
Molecular consequence: intron variant.
Genome position (GRCh38, 1-based): chr13:32,336,045, C>G. VCF-style: chr13-32336045-C-G. GRCh37 (hg19) VCF-style: chr13-32910182-C-G.
Other names: c.1910-220C>G (NM_001406720.1, NM_001406719.1); c.1909+2658C>G (NM_001406721.1); c.424+5015C>G (NM_001406722.1).
Identifiers: ClinVar variation 3134935 (VCV003134935.1), dbSNP rs2072445298, ClinGen allele CA2082778252.